The following is an entry in ClinVar:

ClinVar aggregate classification (germline): Uncertain significance. Review status: criteria provided, multiple submitters, no conflicts (2 of 4 stars). 4 submissions from 4 submitters: Uncertain significance (4). Last evaluated 2025-06-10.

Conditions:
Inborn genetic diseases. Identifiers: MedGen C0950123, MeSH D030342.

Allele frequency attached by ClinVar (database versions not stated): ExAC 0.00001; gnomAD exomes 0.00002.

Submissions (4):

Labcorp Genetics (formerly Invitae), Labcorp
Classification: Uncertain significance. Last evaluated: 2025-06-10. Review status: criteria provided, single submitter. Criteria: Invitae Variant Classification Sherloc (09022015). Collection method: clinical testing. Allele origin: germline.
Comment: This sequence change replaces serine, which is neutral and polar, with leucine, which is neutral and non-polar, at codon 1233 of the SAMD9 protein (p.Ser1233Leu). This variant is present in population databases (rs371510515, gnomAD 0.004%). This variant has not been reported in the literature in individuals affected with SAMD9-related conditions. ClinVar contains an entry for this variant (Variation ID: 1337292). Invitae Evidence Modeling of protein sequence and biophysical properties (such as structural, functional, and spatial information, amino acid conservation, physicochemical variation, residue mobility, and thermodynamic stability) indicates that this missense variant is not expected to disrupt SAMD9 protein function with a negative predictive value of 95%. In summary, the available evidence is currently insufficient to determine the role of this variant in disease. Therefore, it has been classified as a Variant of Uncertain Significance.

Ambry Genetics
Classification: Uncertain significance for Inborn genetic diseases. Last evaluated: 2024-11-21. Review status: criteria provided, single submitter. Criteria: Ambry Variant Classification Scheme 2023. Collection method: clinical testing. Allele origin: germline.
Comment: The p.S1233L variant (also known as c.3698C>T), located in coding exon 1 of the SAMD9 gene, results from a C to T substitution at nucleotide position 3698. The serine at codon 1233 is replaced by leucine, an amino acid with dissimilar properties. This amino acid position is conserved. In addition, this alteration is predicted to be tolerated by in silico analysis. Based on the available evidence, the clinical significance of this variant remains unclear.

GeneDx
Classification: Uncertain significance. Last evaluated: 2024-08-13. Review status: criteria provided, single submitter. Criteria: GeneDx Variant Classification Process June 2021. Collection method: clinical testing. Allele origin: germline. Affected: yes.
Comment: Not observed at significant frequency in large population cohorts (gnomAD); In silico analysis indicates that this missense variant does not alter protein structure/function; Has not been previously published as pathogenic or benign to our knowledge

Genetic Services Laboratory, University of Chicago
Classification: Uncertain significance. Last evaluated: 2019-07-26. Review status: criteria provided, single submitter. Criteria: ACMG Guidelines, 2015. Collection method: clinical testing. Allele origin: germline. Affected: no.

NM_017654.4(SAMD9):c.3698C>T (p.Ser1233Leu)

Gene: SAMD9 (sterile alpha motif domain containing 9; minus strand). Cytogenetic location: 7q21.2.
Variant type: single nucleotide variant.
Coding change: c.3698C>T on transcript NM_017654.4 (MANE Select); coding-DNA position 3698, C replaced by T.
Protein change: p.Ser1233Leu; replaces serine 1233 with leucine.
Molecular consequence: missense variant.
Genome position (GRCh38, 1-based): chr7:93,102,400, G>A on the plus strand (C>T on the coding strand, the complement: SAMD9 is on the minus strand). VCF-style: chr7-93102400-G-A. GRCh37 (hg19) VCF-style: chr7-92731713-G-A.
Other names: c.3698C>T, p.Ser1233Leu (NM_001193307.2); short protein forms S1233L.
Identifiers: ClinVar variation 1337292 (VCV001337292.10), dbSNP rs371510515, ClinGen allele CA4342655.